The following is an entry in ClinVar:

NM_001363118.2(SLC52A2):c.823C>T (p.Arg275Cys)

Gene: SLC52A2 (solute carrier family 52 member 2; plus strand). Cytogenetic location: 8q24.3.
Variant type: single nucleotide variant.
Coding change: c.823C>T on transcript NM_001363118.2 (MANE Select); coding-DNA position 823, C replaced by T.
Protein change: p.Arg275Cys; replaces arginine 275 with cysteine.
Molecular consequence: missense variant. On other transcripts: non-coding transcript variant (1).
Genome position (GRCh38, 1-based): chr8:144,360,315, C>T. VCF-style: chr8-144360315-C-T. GRCh37 (hg19) VCF-style: chr8-145583975-C-T.
Other names: c.823C>T, p.Arg275Cys (NM_001253815.2, NM_001253816.2, NM_001363120.2 and 2 more transcripts); c.331C>T, p.Arg111Cys (NM_001363122.2); c.823C>T (NM_024531.3); short protein forms R111C, R275C.
Identifiers: ClinVar variation 956139 (VCV000956139.6), dbSNP rs782627908, ClinGen allele CA4938285.

ClinVar aggregate classification (germline): Uncertain significance. Review status: criteria provided, multiple submitters, no conflicts (2 of 4 stars). 2 submissions from 2 submitters: Uncertain significance (2). Last evaluated 2021-10-29.

Conditions:
Brown-Vialetto-van Laere syndrome 2. Also called: SPINOCEREBELLAR ATAXIA WITH BLINDNESS AND DEAFNESS 2; Riboflavin transporter deficiency type 2. Identifiers: Orphanet 572543, Orphanet 97229, MedGen C3553538, MONDO:0013867, OMIM 614707.
Inborn genetic diseases. Identifiers: MedGen C0950123, MeSH D030342.

Allele frequency attached by ClinVar (database versions not stated): ExAC 0.00005; gnomAD 0.00001; TOPMed 0.00001.
gnomAD v4.1: 33 of 1,610,230 alleles (0.002%); highest among the groups gnomAD compares: South Asian, 0.031%; 1 homozygote.

Submissions (2):

Ambry Genetics
Classification: Uncertain significance for Inborn genetic diseases. Last evaluated: 2021-10-29. Review status: criteria provided, single submitter. Criteria: Ambry Variant Classification Scheme 2023. Collection method: clinical testing. Allele origin: germline.

Labcorp Genetics (formerly Invitae), Labcorp
Classification: Uncertain significance for Brown-Vialetto-van Laere syndrome 2. Last evaluated: 2019-08-01. Review status: criteria provided, single submitter. Criteria: Invitae Variant Classification Sherloc (09022015). Collection method: clinical testing. Allele origin: germline.
Comment: In summary, the available evidence is currently insufficient to determine the role of this variant in disease. Therefore, it has been classified as a Variant of Uncertain Significance. Algorithms developed to predict the effect of missense changes on protein structure and function (SIFT, PolyPhen-2, Align-GVGD) all suggest that this variant is likely to be disruptive, but these predictions have not been confirmed by published functional studies and their clinical significance is uncertain. This variant has not been reported in the literature in individuals with SLC52A2-related conditions. This variant is present in population databases (rs782627908, ExAC 0.04%). This sequence change replaces arginine with cysteine at codon 275 of the SLC52A2 protein (p.Arg275Cys). The arginine residue is moderately conserved and there is a large physicochemical difference between arginine and cysteine.